The following is an entry in ClinVar:

ClinVar aggregate classification (germline): Likely pathogenic. Review status: criteria provided, multiple submitters, no conflicts (2 of 4 stars). 2 submissions from 2 submitters: Likely pathogenic (2). Last evaluated 2015-02-24.

Conditions:
Hereditary cancer-predisposing syndrome. Also called: Neoplastic Syndromes, Hereditary; Tumor predisposition; Hereditary Cancer Syndrome; Hereditary neoplastic syndrome. Identifiers: Orphanet 140162, MedGen C0027672, MeSH D009386, MONDO:0015356.
Familial cancer of breast. Also called: BREAST CANCER, FAMILIAL; hereditary breast carcinoma; Hereditary breast cancer. Identifiers: Orphanet 227535, MedGen C0346153, MONDO:0016419, OMIM 114480. Disease mechanism: loss of function.

Submissions (2):

Ambry Genetics
Classification: Likely pathogenic for Hereditary cancer-predisposing syndrome. Last evaluated: 2015-02-24. Review status: criteria provided, single submitter. Criteria: Ambry Variant Classification Scheme 2023. Collection method: clinical testing. Allele origin: germline.
Comment: The c.1909+2T>A intronic variant (also known as IVS10+2T>A) results from a T to A substitution two nucleotides after coding exon 9 in the BRCA2 gene. This variant was not reported in population based cohorts in the following databases: Database of Single Nucleotide Polymorphisms (dbSNP), NHLBI Exome Sequencing Project (ESP), and 1000 Genomes Project. In the ESP, this variant was not observed in 6249 samples (12498 alleles) with coverage at this position. To date, this alteration has been detected with an allele frequency of approximately 0.001% (greater than 105000 alleles tested) in our clinical cohort. This nucleotide position is well conserved in available vertebrate species. Using the BDGP and ESEfinder splice site prediction tools, this alteration is predicted to abolish the native donor splice site; however, direct evidence is unavailable. Alterations that disrupt the canonical splice donor site are typically deleterious in nature (ACMG Recommendations for Standards for Interpretation and Reporting of Sequence Variations. Revision 2007. Genet Med. 2008;10:294). As such, the c.1909+2T>A variant is classified as likely pathogenic.

Medical Genetics UMG, Mater Domini University Hospital/ Magna Graecia University of Catanzaro
Classification: Likely pathogenic for Familial cancer of breast. Review status: criteria provided, single submitter. Criteria: ACMG Guidelines, 2015. Collection method: clinical testing. Allele origin: germline. Inheritance: Autosomal dominant inheritance. Affected: yes. Observed: 1 heterozygote.

Literature cited by the submitters: PubMed 35886069 (cited by Medical Genetics UMG, Mater Domini University Hospital/ Magna Graecia University of Catanzaro).

NM_000059.4(BRCA2):c.1909+2T>A

Gene: BRCA2 (BRCA2 DNA repair associated; plus strand). Cytogenetic location: 13q13.1.
Variant type: single nucleotide variant.
Coding change: c.1909+2T>A on transcript NM_000059.4 (MANE Select); the canonical splice donor site of the intron after coding-DNA position 1909, T replaced by A.
Molecular consequence: splice donor variant. On other transcripts: intron variant (1).
Genome position (GRCh38, 1-based): chr13:32,333,389, T>A. VCF-style: chr13-32333389-T-A. GRCh37 (hg19) VCF-style: chr13-32907526-T-A.
Other names: c.1909+2T>A (NM_001406720.1, NM_001406719.1, NM_001406721.1); c.424+2359T>A (NM_001406722.1).
Identifiers: ClinVar variation 230456 (VCV000230456.7), dbSNP rs876658577, ClinGen allele CA10579514.
Genomic context (GRCh38, chr13:32,333,389, plus strand): 5'-AGCCCAGTTTGAAGCAAATGCTTTTGAAGCACCACTTACATTTGCAAATGCTGATTCAGG[T>A]ACCTCTGTCTTTTTTTTTTTGTAAATAGTACATATAGTTTTATAGATGACGATTCCTTCT-3'